The following is an entry in ClinVar:

ClinVar aggregate classification (germline): Uncertain significance. Review status: criteria provided, multiple submitters, no conflicts (2 of 4 stars). 2 submissions from 2 submitters: Uncertain significance (2). Last evaluated 2023-05-23.

Conditions:
Fanconi anemia (FA). Also called: Fanconi's anemia. Identifiers: Orphanet 84, MedGen C0015625, MeSH D005199, MONDO:0019391.
Inborn genetic diseases. Identifiers: MedGen C0950123, MeSH D030342.

gnomAD v4.1: 9 of 1,612,594 alleles (0.00056%); highest among the groups gnomAD compares: African/African-American, 0.0013%; no homozygotes.

Submissions (2):

Ambry Genetics
Classification: Uncertain significance for Inborn genetic diseases. Last evaluated: 2023-05-23. Review status: criteria provided, single submitter. Criteria: Ambry Variant Classification Scheme 2023. Collection method: clinical testing. Allele origin: germline.

Labcorp Genetics (formerly Invitae), Labcorp
Classification: Uncertain significance for Fanconi anemia. Last evaluated: 2021-12-11. Review status: criteria provided, single submitter. Criteria: Invitae Variant Classification Sherloc (09022015). Collection method: clinical testing. Allele origin: germline.
Comment: This sequence change replaces arginine, which is basic and polar, with leucine, which is neutral and non-polar, at codon 749 of the SLX4 protein (p.Arg749Leu). This variant is not present in population databases (gnomAD no frequency). This variant has not been reported in the literature in individuals affected with SLX4-related conditions. Algorithms developed to predict the effect of missense changes on protein structure and function output the following: SIFT: "Tolerated"; PolyPhen-2: "Benign"; Align-GVGD: "Class C0". The leucine amino acid residue is found in multiple mammalian species, which suggests that this missense change does not adversely affect protein function. In summary, the available evidence is currently insufficient to determine the role of this variant in disease. Therefore, it has been classified as a Variant of Uncertain Significance.

NM_032444.4(SLX4):c.2246G>T (p.Arg749Leu)

Gene: SLX4 (SLX4 structure-specific endonuclease subunit; minus strand). Cytogenetic location: 16p13.3.
Variant type: single nucleotide variant.
Coding change: c.2246G>T on transcript NM_032444.4 (MANE Select); coding-DNA position 2246, G replaced by T.
Protein change: p.Arg749Leu; replaces arginine 749 with leucine.
Molecular consequence: missense variant.
Genome position (GRCh38, 1-based): chr16:3,592,780, C>A on the plus strand (G>T on the coding strand, the complement: SLX4 is on the minus strand). VCF-style: chr16-3592780-C-A. GRCh37 (hg19) VCF-style: chr16-3642781-C-A.
Other names: short protein forms R749L.
Identifiers: ClinVar variation 1907362 (VCV001907362.4), dbSNP rs140109914, ClinGen allele CA394524892.